The following is an entry in ClinVar:

NM_002972.4(SBF1):c.2584C>T (p.His862Tyr)

Gene: SBF1 (SET binding factor 1; minus strand). Cytogenetic location: 22q13.33.
Variant type: single nucleotide variant.
Coding change: c.2584C>T on transcript NM_002972.4 (MANE Select); coding-DNA position 2584, C replaced by T.
Protein change: p.His862Tyr; replaces histidine 862 with tyrosine.
Molecular consequence: missense variant.
Genome position (GRCh38, 1-based): chr22:50,461,855, G>A on the plus strand (C>T on the coding strand, the complement: SBF1 is on the minus strand). VCF-style: chr22-50461855-G-A. GRCh37 (hg19) VCF-style: chr22-50900284-G-A.
Other names: c.2587C>T, p.His863Tyr (NM_001365819.1, NM_001410794.1); c.2584C>T, p.His862Tyr (NM_001410795.1); short protein forms H863Y, H862Y.
Identifiers: ClinVar variation 3437571 (VCV003437571.2).

ClinVar aggregate classification (germline): Uncertain significance. Review status: criteria provided, multiple submitters, no conflicts (2 of 4 stars). 2 submissions from 2 submitters: Uncertain significance (2). Last evaluated 2025-02-10.

Submissions (2):

Labcorp Genetics (formerly Invitae), Labcorp
Classification: Uncertain significance. Last evaluated: 2025-02-10. Review status: criteria provided, single submitter. Criteria: Invitae Variant Classification Sherloc (09022015). Collection method: clinical testing. Allele origin: germline.
Comment: This sequence change replaces histidine, which is basic and polar, with tyrosine, which is neutral and polar, at codon 862 of the SBF1 protein (p.His862Tyr). This variant is not present in population databases (gnomAD no frequency). This variant has not been reported in the literature in individuals affected with SBF1-related conditions. ClinVar contains an entry for this variant (Variation ID: 3437571). Invitae Evidence Modeling of protein sequence and biophysical properties (such as structural, functional, and spatial information, amino acid conservation, physicochemical variation, residue mobility, and thermodynamic stability) indicates that this missense variant is not expected to disrupt SBF1 protein function with a negative predictive value of 80%. In summary, the available evidence is currently insufficient to determine the role of this variant in disease. Therefore, it has been classified as a Variant of Uncertain Significance.

Ambry Genetics
Classification: Uncertain significance. Last evaluated: 2024-10-08. Review status: criteria provided, single submitter. Criteria: Ambry Variant Classification Scheme 2023. Collection method: clinical testing. Allele origin: germline.